The following is an entry in ClinVar:

ClinVar aggregate classification (germline): Uncertain significance (1 of 4 stars; one submission).

gnomAD v4.1: 1 of 1,614,156 alleles (0.000062%); no homozygotes.

Submission:

Labcorp Genetics (formerly Invitae), Labcorp
Classification: Uncertain significance. Last evaluated: 2022-07-03. Review status: criteria provided, single submitter. Criteria: Invitae Variant Classification Sherloc (09022015). Collection method: clinical testing. Allele origin: germline.
Comment: In summary, the available evidence is currently insufficient to determine the role of this variant in disease. Therefore, it has been classified as a Variant of Uncertain Significance. Algorithms developed to predict the effect of missense changes on protein structure and function are either unavailable or do not agree on the potential impact of this missense change (SIFT: "Deleterious"; PolyPhen-2: "Probably Damaging"; Align-GVGD: "Class C0"). This variant has not been reported in the literature in individuals affected with HPS5-related conditions. This variant is present in population databases (no rsID available, gnomAD 0.007%). This sequence change replaces glycine, which is neutral and non-polar, with glutamic acid, which is acidic and polar, at codon 347 of the HPS5 protein (p.Gly347Glu).

NM_181507.2(HPS5):c.1040G>A (p.Gly347Glu)

Gene: HPS5 (HPS5 biogenesis of lysosomal organelles complex 2 subunit 2; minus strand). Cytogenetic location: 11p15.1.
Variant type: single nucleotide variant.
Coding change: c.1040G>A on transcript NM_181507.2 (MANE Select); coding-DNA position 1040, G replaced by A.
Protein change: p.Gly347Glu; replaces glycine 347 with glutamic acid.
Molecular consequence: missense variant.
Genome position (GRCh38, 1-based): chr11:18,298,916, C>T on the plus strand (G>A on the coding strand, the complement: HPS5 is on the minus strand). VCF-style: chr11-18298916-C-T. GRCh37 (hg19) VCF-style: chr11-18320463-C-T.
Other names: c.698G>A, p.Gly233Glu (NM_007216.4, NM_181508.2); short protein forms G233E, G347E.
Identifiers: ClinVar variation 2419133 (VCV002419133.7), dbSNP rs1331063664, ClinGen allele CA379498415.
Genomic context (GRCh38, chr11:18,298,916, plus strand): 5'-CTTCTTAGCAGGCGTTCCACACAGCGCTCCACAGATATCAGGGAGAGATGTGAGACTTTC[C>T]CATTTAGGTGCAAACAGAACAATTCATTCCTACAGACAGCCACATCCTGAATATCTACGA-3'
Protein context (NP_852608.1, residues 337-357): RNELFCLHLN[Gly347Glu]KVSHLSLISV